The following is an entry in ClinVar:

ClinVar aggregate classification (germline): Uncertain significance (1 of 4 stars; one submission).

Conditions:
TUBB3-related disorder. Also called: TUBB3-related disorders; TUBB3-related condition.

gnomAD v4.1: 1 of 1,614,248 alleles (0.000062%); highest among the groups gnomAD compares: African/African-American, 0.0013%; no homozygotes.

Submission:

PreventionGenetics, part of Exact Sciences
Classification: Uncertain significance for TUBB3-related condition. Last evaluated: 2026-05-18. Review status: criteria provided, single submitter. Criteria: ACMG Guidelines, 2015. Collection method: clinical testing. Allele origin: germline.
Comment: The TUBB3 c.1017C>G variant is predicted to result in the amino acid substitution p.Ser339Arg. To our knowledge, this variant has not been reported in the literature or in a large population database (gnomAD), indicating this variant is rare. At this time, the clinical significance of this variant is uncertain due to the absence of conclusive functional and genetic evidence.

NM_006086.4(TUBB3):c.1017C>G (p.Ser339Arg)

Gene: TUBB3 (tubulin beta 3 class III; plus strand). Cytogenetic location: 16q24.3.
Variant type: single nucleotide variant.
Coding change: c.1017C>G on transcript NM_006086.4 (MANE Select); coding-DNA position 1017, C replaced by G.
Protein change: p.Ser339Arg; replaces serine 339 with arginine.
Molecular consequence: missense variant.
Genome position (GRCh38, 1-based): chr16:89,935,468, C>G. VCF-style: chr16-89935468-C-G. GRCh37 (hg19) VCF-style: chr16-90001876-C-G.
Other names: c.801C>G, p.Ser267Arg (NM_001197181.2); short protein forms S339R, S267R.
Identifiers: ClinVar variation 4994599 (VCV004994599.1).